The following is an entry in ClinVar:

ClinVar aggregate classification (germline): Benign/Likely benign. Review status: criteria provided, multiple submitters, no conflicts (2 of 4 stars). 4 submissions from 4 submitters: Benign (1); Likely benign (3). Last evaluated 2026-05-27.

Conditions:
RAI1-related disorder. Also called: RAI1-related condition.
Inborn genetic diseases. Identifiers: MedGen C0950123, MeSH D030342.

Allele frequency attached by ClinVar (database versions not stated): gnomAD 0.00001 and 0.00002; gnomAD exomes 0.00001 and 0.00004; ExAC 0.00002; TOPMed 0.00002.
gnomAD v4.1: 18 of 1,613,312 alleles (0.0011%); highest among the groups gnomAD compares: Admixed American, 0.017%; no homozygotes.

Submissions (4):

PreventionGenetics, part of Exact Sciences
Classification: Likely benign for RAI1-related condition. Last evaluated: 2026-05-27. Review status: criteria provided, single submitter. Criteria: ACMG Guidelines, 2015. Collection method: clinical testing. Allele origin: germline.
Comment: This variant is classified as likely benign based on ACMG/AMP sequence variant interpretation guidelines (Richards et al. 2015 PMID: 25741868, with internal and published modifications).

Labcorp Genetics (formerly Invitae), Labcorp
Classification: Benign. Last evaluated: 2026-01-12. Review status: criteria provided, single submitter. Criteria: Invitae Variant Classification Sherloc (09022015). Collection method: clinical testing. Allele origin: germline.

Ambry Genetics
Classification: Likely benign for Inborn genetic diseases. Last evaluated: 2025-02-22. Review status: criteria provided, single submitter. Criteria: Ambry Variant Classification Scheme 2023. Collection method: clinical testing. Allele origin: germline.

GeneDx
Classification: Likely benign. Last evaluated: 2021-03-15. Review status: criteria provided, single submitter. Criteria: GeneDx Variant Classification Process June 2021. Collection method: clinical testing. Allele origin: germline. Affected: yes.
Comment: In silico analysis supports that this missense variant has a deleterious effect on protein structure/function; Has not been previously published as pathogenic or benign to our knowledge

NM_030665.4(RAI1):c.530C>T (p.Pro177Leu)

Gene: RAI1 (retinoic acid induced 1; plus strand). Cytogenetic location: 17p11.2.
Variant type: single nucleotide variant.
Coding change: c.530C>T on transcript NM_030665.4 (MANE Select); coding-DNA position 530, C replaced by T.
Protein change: p.Pro177Leu; replaces proline 177 with leucine.
Molecular consequence: missense variant.
Genome position (GRCh38, 1-based): chr17:17,793,478, C>T. VCF-style: chr17-17793478-C-T. GRCh37 (hg19) VCF-style: chr17-17696792-C-T.
Other names: short protein forms P177L.
Identifiers: ClinVar variation 1200133 (VCV001200133.15), dbSNP rs753632651, ClinGen allele CA8418143.